The following is an entry in ClinVar:

NM_033305.3(VPS13A):c.876A>C (p.Lys292Asn)

Gene: VPS13A (vacuolar protein sorting 13 homolog A; plus strand). Cytogenetic location: 9q21.2.
Variant type: single nucleotide variant.
Coding change: c.876A>C on transcript NM_033305.3 (MANE Select); coding-DNA position 876, A replaced by C.
Protein change: p.Lys292Asn; replaces lysine 292 with asparagine.
Molecular consequence: missense variant.
Genome position (GRCh38, 1-based): chr9:77,220,075, A>C. VCF-style: chr9-77220075-A-C. GRCh37 (hg19) VCF-style: chr9-79834991-A-C.
Other names: c.876A>C, p.Lys292Asn (NM_001018037.2, NM_001018038.3, NM_015186.4); short protein forms K292N.
Identifiers: ClinVar variation 2893836 (VCV002893836.3), dbSNP rs1823104025, ClinGen allele CA373843278.

ClinVar aggregate classification (germline): Uncertain significance (1 of 4 stars; one submission).

Allele frequency attached by ClinVar (database versions not stated): gnomAD exomes below 0.00001.
gnomAD v4.1: 1 of 1,606,248 alleles (0.000062%); highest among the groups gnomAD compares: Non-Finnish European, 0.000085%; no homozygotes.

Submission:

Labcorp Genetics (formerly Invitae), Labcorp
Classification: Uncertain significance. Last evaluated: 2023-10-22. Review status: criteria provided, single submitter. Criteria: Invitae Variant Classification Sherloc (09022015). Collection method: clinical testing. Allele origin: germline.
Comment: This sequence change replaces lysine, which is basic and polar, with asparagine, which is neutral and polar, at codon 292 of the VPS13A protein (p.Lys292Asn). This variant is not present in population databases (gnomAD no frequency). This variant has not been reported in the literature in individuals affected with VPS13A-related conditions. Advanced modeling of protein sequence and biophysical properties (such as structural, functional, and spatial information, amino acid conservation, physicochemical variation, residue mobility, and thermodynamic stability) performed at Invitae indicates that this missense variant is expected to disrupt VPS13A protein function. In summary, the available evidence is currently insufficient to determine the role of this variant in disease. Therefore, it has been classified as a Variant of Uncertain Significance.